The following is an entry in ClinVar:

NM_000836.4(GRIN2D):c.21_29del (p.8RGP[1])

Gene: GRIN2D (glutamate ionotropic receptor NMDA type subunit 2D; plus strand). Cytogenetic location: 19q13.33.
Variant type: Deletion.
Coding change: c.21_29del on transcript NM_000836.4 (MANE Select); coding-DNA positions 21 to 29, 9 bases deleted (CCGCGGCCC; older notation c.21_29delCCGCGGCCC).
Protein change: p.8RGP[1].
Molecular consequence: inframe deletion.
Genome position (GRCh38, 1-based): chr19:48,398,413-48,398,421, CCGCGGCCC deleted; deleting any 9 consecutive bases within chr19:48,398,408-48,398,421 gives the same sequence; the c. name uses the placement nearest the transcript's 3' end. VCF-style (leftmost placement, unchanged base first): chr19-48398407-TGGCCCCCGC-T. GRCh37 (hg19) VCF-style: chr19-48901664-TGGCCCCCGC-T.
Identifiers: ClinVar variation 2575834 (VCV002575834.2), dbSNP rs1970668349, ClinGen allele CA2339877332.

ClinVar aggregate classification (germline): Uncertain significance. Review status: criteria provided, multiple submitters, no conflicts (2 of 4 stars). 2 submissions from 2 submitters: Uncertain significance (2). Last evaluated 2025-02-07.

Submissions (2):

Labcorp Genetics (formerly Invitae), Labcorp
Classification: Uncertain significance. Last evaluated: 2025-02-07. Review status: criteria provided, single submitter. Criteria: Invitae Variant Classification Sherloc (09022015). Collection method: clinical testing. Allele origin: germline.
Comment: This variant, c.21_29del, results in the deletion of 3 amino acid(s) of the GRIN2D protein (p.Arg11_Pro13del), but otherwise preserves the integrity of the reading frame. The frequency data for this variant in the population databases is considered unreliable, as metrics indicate insufficient coverage at this position in the gnomAD database. This variant has not been reported in the literature in individuals affected with GRIN2D-related conditions. ClinVar contains an entry for this variant (Variation ID: 2575834). Experimental studies and prediction algorithms are not available or were not evaluated, and the functional significance of this variant is currently unknown. In summary, the available evidence is currently insufficient to determine the role of this variant in disease. Therefore, it has been classified as a Variant of Uncertain Significance.

GeneDx
Classification: Uncertain significance. Last evaluated: 2023-02-09. Review status: criteria provided, single submitter. Criteria: GeneDx Variant Classification Process June 2021. Collection method: clinical testing. Allele origin: germline. Affected: yes.
Comment: In-frame deletion of 3 amino acids in a non-repeat region; Not observed at significant frequency in large population cohorts (gnomAD); In silico analysis supports a deleterious effect on protein structure/function; In silico analysis is inconclusive as to whether the variant alters gene splicing. In the absence of RNA/functional studies, the actual effect of this sequence change is unknown.; Has not been previously published as pathogenic or benign to our knowledge